The following is an entry in ClinVar:

NM_002906.4(RDX):c.1154A>C (p.Glu385Ala)

Gene: RDX (radixin; minus strand). Cytogenetic location: 11q22.3.
Variant type: single nucleotide variant.
Coding change: c.1154A>C on transcript NM_002906.4 (MANE Select); coding-DNA position 1154, A replaced by C.
Protein change: p.Glu385Ala; replaces glutamic acid 385 with alanine.
Molecular consequence: missense variant. On other transcripts: intron variant (1).
Genome position (GRCh38, 1-based): chr11:110,237,589, T>G on the plus strand (A>C on the coding strand, the complement: RDX is on the minus strand). VCF-style: chr11-110237589-T-G. GRCh37 (hg19) VCF-style: chr11-110108314-T-G.
Other names: c.1154A>C, p.Glu385Ala (NM_001260492.2, NM_001260493.2); c.746A>C, p.Glu249Ala (NM_001260494.2); c.113A>C, p.Glu38Ala (NM_001260495.2); c.405-5585A>C (NM_001260496.2); short protein forms E385A, E38A, E249A.
Identifiers: ClinVar variation 229197 (VCV000229197.19), dbSNP rs146713867, ClinGen allele CA6270079.

ClinVar aggregate classification (germline): Uncertain significance. Review status: criteria provided, multiple submitters, no conflicts (2 of 4 stars). 5 submissions from 5 submitters: Uncertain significance (5). Last evaluated 2025-08-22.

Conditions:
Inborn genetic diseases. Identifiers: MedGen C0950123, MeSH D030342.

Allele frequency attached by ClinVar (database versions not stated): gnomAD exomes 0.00007 and 0.00017; TOPMed 0.00010; gnomAD 0.00011 and 0.00015; ESP Exome Variant Server 0.00015; 1000 Genomes Project 30x 0.00016; ExAC 0.00016; 1000 Genomes Project 0.00020.
gnomAD v4.1: 122 of 1,614,222 alleles (0.0076%); highest among the groups gnomAD compares: South Asian, 0.037%; no homozygotes.

Submissions (5):

Ambry Genetics
Classification: Uncertain significance for Inborn genetic diseases. Last evaluated: 2025-08-22. Review status: criteria provided, single submitter. Criteria: Ambry Variant Classification Scheme 2023. Collection method: clinical testing. Allele origin: germline.

Blueprint Genetics
Classification: Uncertain significance. Last evaluated: 2024-06-13. Review status: criteria provided, single submitter. Criteria: ACMG Guidelines, 2015. Collection method: clinical testing. Allele origin: germline.

GeneDx
Classification: Uncertain significance. Last evaluated: 2023-09-25. Review status: criteria provided, single submitter. Criteria: GeneDx Variant Classification Process June 2021. Collection method: clinical testing. Allele origin: germline. Affected: yes.
Comment: In silico analysis supports that this missense variant has a deleterious effect on protein structure/function; Has not been previously published as pathogenic or benign to our knowledge

Labcorp Genetics (formerly Invitae), Labcorp
Classification: Uncertain significance. Last evaluated: 2022-04-08. Review status: criteria provided, single submitter. Criteria: Invitae Variant Classification Sherloc (09022015). Collection method: clinical testing. Allele origin: germline.
Comment: This variant is present in population databases (rs146713867, gnomAD 0.04%). This variant has not been reported in the literature in individuals affected with RDX-related conditions. ClinVar contains an entry for this variant (Variation ID: 229197). Algorithms developed to predict the effect of missense changes on protein structure and function output the following: SIFT: "Tolerated"; PolyPhen-2: "Benign"; Align-GVGD: "Class C0". The alanine amino acid residue is found in multiple mammalian species, which suggests that this missense change does not adversely affect protein function. In summary, the available evidence is currently insufficient to determine the role of this variant in disease. Therefore, it has been classified as a Variant of Uncertain Significance. This sequence change replaces glutamic acid, which is acidic and polar, with alanine, which is neutral and non-polar, at codon 385 of the RDX protein (p.Glu385Ala).

Laboratory for Molecular Medicine, Mass General Brigham Personalized Medicine
Classification: Uncertain significance. Last evaluated: 2018-04-25. Review status: criteria provided, single submitter. Criteria: LMM Criteria. Collection method: clinical testing. Allele origin: germline. Observed: 2 variant alleles.
Comment: Variant classified as Uncertain Significance - Favor Benign. This variant has been identified in 0.02% (52/277,224) total chromosomes across sever al populations by the Genome Aggregation Database (gnomAD; dbSNP rs146713867). Although this variant has been seen in the gene ral population, its frequency is not high enough to rule out a pathogenic role. The glutamic acid (Glu) at position 385 is not highly conserved in mammals and e volutionary distant species, and two mammals (elephant and cape golden mole) car ry an alanine (Ala) at this position, which suggests that a change at this posit ion may be tolerated. Additional computational prediction tools do not provide s trong support for or against an impact to the protein. In summary, while the cli nical significance of the p.Glu385Ala variant is uncertain, the frequency and co nservation data suggest that it is more likely to be benign. ACMG/AMP Criteria a pplied: BP4